The following is an entry in ClinVar:

ClinVar aggregate classification (germline): Uncertain significance (1 of 4 stars; one submission).

Conditions:
Pitt-Hopkins-like syndrome 2 (PTHSL2). Identifiers: Orphanet 221150, Orphanet 600663, MedGen C3280479, MONDO:0013690, OMIM 614325.

Allele frequency attached by ClinVar (database versions not stated): TOPMed below 0.00001; gnomAD 0.00001; gnomAD exomes 0.00001 and 0.00002; ExAC 0.00002.
gnomAD v4.1: 10 of 1,613,916 alleles (0.00062%); highest among the groups gnomAD compares: Non-Finnish European, 0.000085%; no homozygotes.

Submission:

Labcorp Genetics (formerly Invitae), Labcorp
Classification: Uncertain significance for Pitt-Hopkins-like syndrome 2. Last evaluated: 2020-01-30. Review status: criteria provided, single submitter. Criteria: Invitae Variant Classification Sherloc (09022015). Collection method: clinical testing. Allele origin: germline.
Comment: In summary, the available evidence is currently insufficient to determine the role of this variant in disease. Therefore, it has been classified as a Variant of Uncertain Significance. Algorithms developed to predict the effect of missense changes on protein structure and function (SIFT, PolyPhen-2, Align-GVGD) all suggest that this variant is likely to be tolerated, but these predictions have not been confirmed by published functional studies and their clinical significance is uncertain. This variant has not been reported in the literature in individuals with NRXN1-related conditions. This variant is present in population databases (rs201877761, ExAC 0.02%). This sequence change replaces asparagine with aspartic acid at codon 1349 of the NRXN1 protein (p.Asn1349Asp). The asparagine residue is highly conserved and there is a small physicochemical difference between asparagine and aspartic acid.

NM_001330078.2(NRXN1):c.3925A>G (p.Asn1309Asp)

Gene: NRXN1 (neurexin 1; minus strand). Cytogenetic location: 2p16.3.
Variant type: single nucleotide variant.
Coding change: c.3925A>G on transcript NM_001330078.2 (MANE Select); coding-DNA position 3925, A replaced by G.
Protein change: p.Asn1309Asp; replaces asparagine 1309 with aspartic acid.
Molecular consequence: missense variant.
Genome position (GRCh38, 1-based): chr2:50,053,474, T>C on the plus strand (A>G on the coding strand, the complement: NRXN1 is on the minus strand). VCF-style: chr2-50053474-T-C. GRCh37 (hg19) VCF-style: chr2-50280612-T-C.
Other names: c.4045A>G, p.Asn1349Asp (NM_001135659.3); c.3901A>G, p.Asn1301Asp (NM_001330077.2, NM_001330082.2); c.3769A>G, p.Asn1257Asp (NM_001330083.2); c.3859A>G, p.Asn1287Asp (NM_001330084.2); c.3898A>G, p.Asn1300Asp (NM_001330085.2); c.3925A>G, p.Asn1309Asp (NM_001330086.2); c.3724A>G, p.Asn1242Asp (NM_001330087.2, NM_001330096.2); c.3754A>G, p.Asn1252Asp (NM_001330088.2); and 6 more; short protein forms N1242D, N1252D, N1257D, N1262D, N1279D, N1287D, N1300D, N1301D.
Identifiers: ClinVar variation 1055226 (VCV001055226.9), dbSNP rs201877761, ClinGen allele CA1654330.